The following is an entry in ClinVar:

ClinVar aggregate classification (germline): Uncertain significance. Review status: criteria provided, multiple submitters, no conflicts (2 of 4 stars). 2 submissions from 2 submitters: Uncertain significance (2). Last evaluated 2024-06-05.

Conditions:
Gillessen-Kaesbach-Nishimura syndrome (GIKANIS). Identifiers: MedGen C1849762, MONDO:0009890, OMIM 263210.
ALG9 congenital disorder of glycosylation (CDG1L). Also called: CONGENITAL DISORDER OF GLYCOSYLATION, TYPE Il; ALG9-CDG; CDG Il. Identifiers: Orphanet 79328, MedGen C2931006, MONDO:0012117, OMIM 608776.

Allele frequency attached by ClinVar (database versions not stated): gnomAD exomes below 0.00001 and 0.00001; gnomAD 0.00001; TOPMed 0.00001.
gnomAD v4.1: 14 of 1,613,764 alleles (0.00087%); highest among the groups gnomAD compares: African/African-American, 0.0027%; no homozygotes.

Submissions (2):

Fulgent Genetics
Classification: Uncertain significance for Gillessen-Kaesbach-Nishimura syndrome; ALG9 congenital disorder of glycosylation. Last evaluated: 2024-06-05. Review status: criteria provided, single submitter. Criteria: ACMG Guidelines, 2015. Collection method: clinical testing. Allele origin: germline.

Labcorp Genetics (formerly Invitae), Labcorp
Classification: Uncertain significance for ALG9 congenital disorder of glycosylation. Last evaluated: 2020-11-20. Review status: criteria provided, single submitter. Criteria: Invitae Variant Classification Sherloc (09022015). Collection method: clinical testing. Allele origin: germline.
Comment: In summary, the available evidence is currently insufficient to determine the role of this variant in disease. Therefore, it has been classified as a Variant of Uncertain Significance. Experimental studies and prediction algorithms are not available or were not evaluated, and the functional significance of this variant is currently unknown. This variant has not been reported in the literature in individuals with ALG9-related conditions. This variant is not present in population databases (ExAC no frequency). This sequence change replaces tyrosine with cysteine at codon 109 of the ALG9 protein (p.Tyr109Cys). The tyrosine residue is moderately conserved and there is a large physicochemical difference between tyrosine and cysteine.

NM_024740.2(ALG9):c.326A>G (p.Tyr109Cys)

Gene: ALG9 (ALG9 alpha-1,2-mannosyltransferase; minus strand). Cytogenetic location: 11q23.1.
Variant type: single nucleotide variant.
Coding change: c.326A>G on transcript NM_024740.2 (MANE Select); coding-DNA position 326, A replaced by G.
Protein change: p.Tyr109Cys; replaces tyrosine 109 with cysteine.
Molecular consequence: missense variant. On other transcripts: 5 prime UTR variant (15), non-coding transcript variant (1).
Genome position (GRCh38, 1-based): chr11:111,868,681, T>C on the plus strand (A>G on the coding strand, the complement: ALG9 is on the minus strand). VCF-style: chr11-111868681-T-C. GRCh37 (hg19) VCF-style: chr11-111739404-T-C.
Other names: c.326A>G, p.Tyr109Cys (NM_001077690.1, NM_001352417.1, NM_001352418.1); c.-188A>G (NM_001077691.2, NM_001077692.2, NM_001352409.1 and 11 more transcripts); c.-406A>G (NM_001352422.2); short protein forms Y109C.
Identifiers: ClinVar variation 1349412 (VCV001349412.7), dbSNP rs782251524, ClinGen allele CA228559411.